The following is an entry in ClinVar:

ClinVar aggregate classification (germline): Uncertain significance (1 of 4 stars; one submission).

Conditions:
Nephronophthisis. Also called: Juvenile Nephronophthisis. Identifiers: Orphanet 655, MedGen C0687120, MONDO:0019005, HP:0000090.

Allele frequency attached by ClinVar (database versions not stated): gnomAD exomes below 0.00001 and 0.00002.
gnomAD v4.1: 28 of 1,607,642 alleles (0.0017%); highest among the groups gnomAD compares: Non-Finnish European, 0.002%; no homozygotes.

Submission:

Labcorp Genetics (formerly Invitae), Labcorp
Classification: Uncertain significance for Nephronophthisis. Last evaluated: 2022-03-19. Review status: criteria provided, single submitter. Criteria: Invitae Variant Classification Sherloc (09022015). Collection method: clinical testing. Allele origin: germline.
Comment: This sequence change replaces methionine, which is neutral and non-polar, with valine, which is neutral and non-polar, at codon 598 of the NPHP4 protein (p.Met598Val). This variant is present in population databases (no rsID available, gnomAD 0.0009%). This variant has not been reported in the literature in individuals affected with NPHP4-related conditions. Algorithms developed to predict the effect of missense changes on protein structure and function (SIFT, PolyPhen-2, Align-GVGD) all suggest that this variant is likely to be tolerated. In summary, the available evidence is currently insufficient to determine the role of this variant in disease. Therefore, it has been classified as a Variant of Uncertain Significance.

NM_015102.5(NPHP4):c.1792A>G (p.Met598Val)

Gene: NPHP4 (nephrocystin 4; minus strand). Cytogenetic location: 1p36.31.
Variant type: single nucleotide variant.
Coding change: c.1792A>G on transcript NM_015102.5 (MANE Select); coding-DNA position 1792, A replaced by G.
Protein change: p.Met598Val; replaces methionine 598 with valine.
Molecular consequence: missense variant. On other transcripts: non-coding transcript variant (1).
Genome position (GRCh38, 1-based): chr1:5,905,455, T>C on the plus strand (A>G on the coding strand, the complement: NPHP4 is on the minus strand). VCF-style: chr1-5905455-T-C. GRCh37 (hg19) VCF-style: chr1-5965515-T-C.
Other names: c.253A>G, p.Met85Val (NM_001291593.2); c.256A>G, p.Met86Val (NM_001291594.2); short protein forms M85V, M598V, M86V.
Identifiers: ClinVar variation 1400467 (VCV001400467.8), dbSNP rs926493923, ClinGen allele CA17124833.